The following is an entry in ClinVar:

NM_016169.4(SUFU):c.778G>A (p.Glu260Lys)

Gene: SUFU (SUFU negative regulator of hedgehog signaling; plus strand). Cytogenetic location: 10q24.32.
Variant type: single nucleotide variant.
Coding change: c.778G>A on transcript NM_016169.4 (MANE Select); coding-DNA position 778, G replaced by A.
Protein change: p.Glu260Lys; replaces glutamic acid 260 with lysine.
Molecular consequence: missense variant.
Genome position (GRCh38, 1-based): chr10:102,597,161, G>A. VCF-style: chr10-102597161-G-A. GRCh37 (hg19) VCF-style: chr10-104356918-G-A.
Other names: c.778G>A, p.Glu260Lys (NM_001178133.2); c.778G>A (NM_016169.3); short protein forms E260K.
Identifiers: ClinVar variation 1424769 (VCV001424769.11), dbSNP rs775245784, ClinGen allele CA5667775.

ClinVar aggregate classification (germline): Uncertain significance. Review status: criteria provided, multiple submitters, no conflicts (2 of 4 stars). 2 submissions from 2 submitters: Uncertain significance (2). Last evaluated 2025-10-11.

Conditions:
Hereditary cancer-predisposing syndrome. Also called: Hereditary neoplastic syndrome; Tumor predisposition; Hereditary Cancer Syndrome; Neoplastic Syndromes, Hereditary. Identifiers: Orphanet 140162, MedGen C0027672, MeSH D009386, MONDO:0015356.
Medulloblastoma (MDB). Also called: MEDULLOBLASTOMA PREDISPOSITION SYNDROME; Medulloblastoma, somatic. Identifiers: Orphanet 616, MedGen C0025149, MeSH D008527, MONDO:0007959, OMIM 155255, HP:0002885.
Gorlin syndrome. Also called: Nevoid Basal Cell Carcinoma Syndrome; Basal cell nevus syndrome. Identifiers: Orphanet 377, MedGen C0004779, MONDO:0007187.

Allele frequency attached by ClinVar (database versions not stated): gnomAD exomes below 0.00001 and 0.00001; ExAC 0.00001.
gnomAD v4.1: 6 of 1,613,994 alleles (0.00037%); highest among the groups gnomAD compares: South Asian, 0.0022%; no homozygotes.

Submissions (2):

Ambry Genetics
Classification: Uncertain significance for Hereditary cancer-predisposing syndrome. Last evaluated: 2025-10-11. Review status: criteria provided, single submitter. Criteria: Ambry Variant Classification Scheme 2023. Collection method: clinical testing. Allele origin: germline.
Comment: The p.E260K variant (also known as c.778G>A), located in coding exon 7 of the SUFU gene, results from a G to A substitution at nucleotide position 778. The glutamic acid at codon 260 is replaced by lysine, an amino acid with similar properties. This amino acid position is highly conserved in available vertebrate species. In addition, this alteration is predicted to be deleterious by in silico analysis. Since supporting evidence is limited at this time, the clinical significance of this alteration remains unclear.

Labcorp Genetics (formerly Invitae), Labcorp
Classification: Uncertain significance for Gorlin syndrome; Medulloblastoma. Last evaluated: 2024-07-24. Review status: criteria provided, single submitter. Criteria: Invitae Variant Classification Sherloc (09022015). Collection method: clinical testing. Allele origin: germline.
Comment: This sequence change replaces glutamic acid, which is acidic and polar, with lysine, which is basic and polar, at codon 260 of the SUFU protein (p.Glu260Lys). This variant is present in population databases (rs775245784, gnomAD 0.0009%). This variant has not been reported in the literature in individuals affected with SUFU-related conditions. ClinVar contains an entry for this variant (Variation ID: 1424769). Advanced modeling of protein sequence and biophysical properties (such as structural, functional, and spatial information, amino acid conservation, physicochemical variation, residue mobility, and thermodynamic stability) performed at Invitae indicates that this missense variant is not expected to disrupt SUFU protein function with a negative predictive value of 80%. In summary, the available evidence is currently insufficient to determine the role of this variant in disease. Therefore, it has been classified as a Variant of Uncertain Significance.